The following is an entry in ClinVar:

ClinVar aggregate classification (germline): Uncertain significance (1 of 4 stars; one submission).

Submission:

Labcorp Genetics (formerly Invitae), Labcorp
Classification: Uncertain significance. Last evaluated: 2025-12-09. Review status: criteria provided, single submitter. Criteria: Invitae Variant Classification Sherloc (09022015). Collection method: clinical testing. Allele origin: germline.
Comment: This sequence change replaces arginine, which is basic and polar, with glycine, which is neutral and non-polar, at codon 1723 of the COL11A2 protein (p.Arg1723Gly). This variant is not present in population databases (gnomAD no frequency). This variant has not been reported in the literature in individuals affected with COL11A2-related conditions. Invitae Evidence Modeling of protein sequence and biophysical properties (such as structural, functional, and spatial information, amino acid conservation, physicochemical variation, residue mobility, and thermodynamic stability) indicates that this missense variant is not expected to disrupt COL11A2 protein function with a negative predictive value of 95%. In summary, the available evidence is currently insufficient to determine the role of this variant in disease. Therefore, it has been classified as a Variant of Uncertain Significance.

NM_080680.3(COL11A2):c.5167A>G (p.Arg1723Gly)

Gene: COL11A2 (collagen type XI alpha 2 chain; minus strand). Cytogenetic location: 6p21.32.
Variant type: single nucleotide variant.
Coding change: c.5167A>G on transcript NM_080680.3 (MANE Select); coding-DNA position 5167, A replaced by G.
Protein change: p.Arg1723Gly; replaces arginine 1723 with glycine.
Molecular consequence: missense variant.
Genome position (GRCh38, 1-based): chr6:33,163,722, T>C on the plus strand (A>G on the coding strand, the complement: COL11A2 is on the minus strand). VCF-style: chr6-33163722-T-C. GRCh37 (hg19) VCF-style: chr6-33131499-T-C.
Other names: c.4987A>G, p.Arg1663Gly (NM_001424108.1); c.4321A>G, p.Arg1441Gly (NM_001424109.1); c.4141A>G, p.Arg1381Gly (NM_001424110.1, NM_001424111.1); c.3121A>G, p.Arg1041Gly (NM_001424112.1); c.4846A>G, p.Arg1616Gly (NM_080679.3); c.4909A>G, p.Arg1637Gly (NM_080681.3); short protein forms R1637G, R1041G, R1441G, R1381G, R1616G, R1663G, R1723G.
Identifiers: ClinVar variation 4707270 (VCV004707270.1).
Genomic context (GRCh38, chr6:33,163,722, plus strand): 5'-TCAGACAGAGACGGTCCTATCCCATGAAGCAGACAGGCCCCAGCAGCACCCCTCCCCGCC[T>C]CGGTGGGGCTCCCAGGTCTGAGAAGGAGGCATCCAGCACTGGCAGCTGCTCCAGCACAGG-3'
Protein context (NP_542411.2, residues 1713-1733): ASFSDLGAPP[Arg1723Gly]RGGVLLGPVC